The following is an entry in ClinVar:

ClinVar aggregate classification (germline): Uncertain significance. Review status: criteria provided, multiple submitters, no conflicts (2 of 4 stars). 5 submissions from 5 submitters: Uncertain significance (5). Last evaluated 2026-01-27.

Conditions:
Cardiovascular phenotype. Identifiers: MedGen CN230736.
Lethal congenital glycogen storage disease of heart. Also called: GLYCOGEN STORAGE DISEASE OF HEART; PHOSPHORYLASE KINASE DEFICIENCY OF HEART. Identifiers: Orphanet 439854, MedGen C1849813, MONDO:0009867, OMIM 261740.
Cardiomyopathy (CMYO). Also called: Cardiomyopathies. Identifiers: Orphanet 167848, MedGen C0878544, MONDO:0004994, HP:0001638. Inheritance: Various modes of inheritance.
Hypertrophic cardiomyopathy. Also called: HYPERTROPHIC MYOCARDIOPATHY. Identifiers: Orphanet 217569, MedGen C0007194, MeSH D002312, MONDO:0005045, HP:0001639.
PRKAG2-related disorder. Also called: PRKAG2-related condition; PRKAG2-related disorders.

Allele frequency attached by ClinVar (database versions not stated): gnomAD exomes below 0.00001 and 0.00002; TOPMed 0.00001; gnomAD 0.00002.
gnomAD v4.1: 31 of 1,605,570 alleles (0.0019%); highest among the groups gnomAD compares: Non-Finnish European, 0.0025%; no homozygotes.

Submissions (5):

PreventionGenetics, part of Exact Sciences
Classification: Uncertain significance for PRKAG2-related condition. Last evaluated: 2026-01-27. Review status: criteria provided, single submitter. Criteria: ACMG Guidelines, 2015. Collection method: clinical testing. Allele origin: germline.
Comment: The PRKAG2 c.113C>T variant is predicted to result in the amino acid substitution p.Pro38Leu. This variant has been reported as a variant of uncertain significance in an individual with unexplained cardiac arrest (Supplement table 5, Grondin et al. 2022. PubMed ID: 35352813). This variant is reported in 0.0016% of alleles in individuals of European (Non-Finnish) descent in gnomAD. At this time, the clinical significance of this variant is uncertain due to the absence of conclusive functional and genetic evidence.

Labcorp Genetics (formerly Invitae), Labcorp
Classification: Uncertain significance for Lethal congenital glycogen storage disease of heart. Last evaluated: 2026-01-21. Review status: criteria provided, single submitter. Criteria: Invitae Variant Classification Sherloc (09022015). Collection method: clinical testing. Allele origin: germline.
Comment: This sequence change replaces proline, which is neutral and non-polar, with leucine, which is neutral and non-polar, at codon 38 of the PRKAG2 protein (p.Pro38Leu). This variant is present in population databases (no rsID available, gnomAD 0.002%). This missense change has been observed in individual(s) with unexplained cardiac arrest (PMID: 35352813). ClinVar contains an entry for this variant (Variation ID: 928333). Invitae Evidence Modeling of protein sequence and biophysical properties (such as structural, functional, and spatial information, amino acid conservation, physicochemical variation, residue mobility, and thermodynamic stability) indicates that this missense variant is not expected to disrupt PRKAG2 protein function with a negative predictive value of 95%. In summary, the available evidence is currently insufficient to determine the role of this variant in disease. Therefore, it has been classified as a Variant of Uncertain Significance.

All of Us Research Program, National Institutes of Health
Classification: Uncertain significance for Hypertrophic cardiomyopathy. Last evaluated: 2024-08-06. Review status: criteria provided, single submitter. Criteria: ACMG Guidelines, 2015. Collection method: clinical testing. Allele origin: germline. Inheritance: Autosomal dominant inheritance. Observed: 2 variant alleles, 2 heterozygotes.
Comment: This missense variant replaces proline with leucine at codon 38 of the PRKAG2 protein. Computational prediction is inconclusive regarding the impact of this variant on protein structure and function (internally defined REVEL score threshold 0.5 < inconclusive < 0.7, PMID: 27666373). Splice site prediction tools suggest that this variant may not impact RNA splicing. To our knowledge, functional studies have not been performed for this variant. This variant has not been reported in individuals affected with cardiovascular disorders in the literature. This variant has been identified in 2/276176 chromosomes in the general population by the Genome Aggregation Database (gnomAD). The available evidence is insufficient to determine the role of this variant in disease conclusively. Therefore, this variant is classified as a Variant of Uncertain Significance.

This study involves interpretation of variants in research participants for the purpose of population health screening. Participant phenotype was not available at the time of variant classification. Additional details can be found in publication PMID: 35346344, PMCID: PMC8962531

Color Diagnostics, LLC DBA Color Health
Classification: Uncertain significance for Cardiomyopathy. Last evaluated: 2024-02-06. Review status: criteria provided, single submitter. Criteria: ACMG Guidelines, 2015. Collection method: clinical testing. Allele origin: germline.
Comment: This missense variant replaces proline with leucine at codon 38 of the PRKAG2 protein. Computational prediction tools indicate that this variant's impact on protein structure and function is inconclusive. To our knowledge, functional studies have not been reported for this variant. This variant has not been reported in individuals affected with PRKAG2-related disorders in the literature. This variant has been identified in 2/276176 chromosomes in the general population by the Genome Aggregation Database (gnomAD). The available evidence is insufficient to determine the role of this variant in disease conclusively. Therefore, this variant is classified as a Variant of Uncertain Significance.

Ambry Genetics
Classification: Uncertain significance for Cardiovascular phenotype. Last evaluated: 2023-04-01. Review status: criteria provided, single submitter. Criteria: Ambry Variant Classification Scheme 2023. Collection method: clinical testing. Allele origin: germline.
Comment: The p.P38L variant (also known as c.113C>T), located in coding exon 1 of the PRKAG2 gene, results from a C to T substitution at nucleotide position 113. The proline at codon 38 is replaced by leucine, an amino acid with similar properties. This amino acid position is conserved. In addition, the in silico prediction for this alteration is inconclusive. Since supporting evidence is limited at this time, the clinical significance of this alteration remains unclear.

Literature cited by the submitters: PubMed 35352813 (cited by Labcorp Genetics (formerly Invitae), Labcorp).

NM_016203.4(PRKAG2):c.113C>T (p.Pro38Leu)

Gene: PRKAG2 (protein kinase AMP-activated non-catalytic subunit gamma 2; minus strand). Cytogenetic location: 7q36.1.
Variant type: single nucleotide variant.
Coding change: c.113C>T on transcript NM_016203.4 (MANE Select); coding-DNA position 113, C replaced by T.
Protein change: p.Pro38Leu; replaces proline 38 with leucine.
Molecular consequence: missense variant.
Genome position (GRCh38, 1-based): chr7:151,876,508, G>A on the plus strand (C>T on the coding strand, the complement: PRKAG2 is on the minus strand). VCF-style: chr7-151876508-G-A. GRCh37 (hg19) VCF-style: chr7-151573593-G-A.
Other names: c.113C>T (NM_016203.3); short protein forms P38L.
Identifiers: ClinVar variation 928333 (VCV000928333.15), dbSNP rs984007665, ClinGen allele CA169183596.